The following is an entry in ClinVar:

ClinVar aggregate classification (germline): Pathogenic (1 of 4 stars; one submission).

Conditions:
Wilson disease (WND). Also called: Wilson's disease. Identifiers: Orphanet 905, MedGen C0019202, MONDO:0010200, OMIM 277900. Disease mechanism: loss of function.

Submission:

Labcorp Genetics (formerly Invitae), Labcorp
Classification: Pathogenic for Wilson disease. Last evaluated: 2023-01-06. Review status: criteria provided, single submitter. Criteria: Invitae Variant Classification Sherloc (09022015). Collection method: clinical testing. Allele origin: unknown.
Comment: For these reasons, this variant has been classified as Pathogenic. This variant has not been reported in the literature in individuals affected with ATP7B-related conditions. This variant is a gross deletion of the genomic region encompassing exon(s) 3-4 of the ATP7B gene. This deletion is out-of-frame, and is expected to create a premature termination codon and result in an absent or disrupted protein product. Loss-of-function variants in ATP7B are known to be pathogenic (PMID: 10441329, 16283883).

Literature cited by the submitters: PubMed 10441329; PubMed 16283883.

NC_000013.10:g.(?_52542560)_(52544905_?)del

Gene: ATP7B (ATPase copper transporting beta; minus strand). Cytogenetic location: 13q14.3.
Variant type: Deletion.
Identifiers: ClinVar variation 3244112 (VCV003244112.1).